The following is an entry in ClinVar:

NM_003482.4(KMT2D):c.50C>G (p.Ala17Gly)

Gene: KMT2D (lysine methyltransferase 2D; minus strand). Cytogenetic location: 12q13.12.
Variant type: single nucleotide variant.
Coding change: c.50C>G on transcript NM_003482.4 (MANE Select); coding-DNA position 50, C replaced by G.
Protein change: p.Ala17Gly; replaces alanine 17 with glycine.
Molecular consequence: missense variant.
Genome position (GRCh38, 1-based): chr12:49,055,026, G>C on the plus strand (C>G on the coding strand, the complement: KMT2D is on the minus strand). VCF-style: chr12-49055026-G-C. GRCh37 (hg19) VCF-style: chr12-49448809-G-C.
Other names: short protein forms A17G.
Identifiers: ClinVar variation 1387844 (VCV001387844.8), dbSNP rs769271092, ClinGen allele CA384691049.

ClinVar aggregate classification (germline): Uncertain significance (1 of 4 stars; one submission).

Conditions:
Kabuki syndrome. Also called: Kabuki make-up syndrome; NIIKAWA-KUROKI SYNDROME. Identifiers: Orphanet 2322, MedGen C0796004, MONDO:0016512.

gnomAD v4.1: 1 of 1,613,802 alleles (0.000062%); highest among the groups gnomAD compares: Non-Finnish European, 0.000085%; no homozygotes.

Submission:

Labcorp Genetics (formerly Invitae), Labcorp
Classification: Uncertain significance for Kabuki syndrome. Last evaluated: 2022-08-16. Review status: criteria provided, single submitter. Criteria: Invitae Variant Classification Sherloc (09022015). Collection method: clinical testing. Allele origin: germline.
Comment: In summary, the available evidence is currently insufficient to determine the role of this variant in disease. Therefore, it has been classified as a Variant of Uncertain Significance. Algorithms developed to predict the effect of sequence changes on RNA splicing suggest that this variant may create or strengthen a splice site. Algorithms developed to predict the effect of missense changes on protein structure and function are either unavailable or do not agree on the potential impact of this missense change (SIFT: "Deleterious"; PolyPhen-2: "Not Available"; Align-GVGD: "Class C0"). ClinVar contains an entry for this variant (Variation ID: 1387844). This variant has not been reported in the literature in individuals affected with KMT2D-related conditions. This variant is not present in population databases (gnomAD no frequency). This sequence change replaces alanine, which is neutral and non-polar, with glycine, which is neutral and non-polar, at codon 17 of the KMT2D protein (p.Ala17Gly).